The following is an entry in ClinVar:

ClinVar aggregate classification (germline): Uncertain significance. Review status: criteria provided, multiple submitters, no conflicts (2 of 4 stars). 3 submissions from 3 submitters: Uncertain significance (2). 1 of the submissions does not count toward it. Last evaluated 2023-02-18.

Conditions:
Autosomal recessive limb-girdle muscular dystrophy type 2L (LGMDR12). Also called: Limb-girdle muscular dystrophy, type 2L; Limb-Girdle Muscular Dystrophy R12 Anoctamin-5-Related (LGMD-R12); MUSCULAR DYSTROPHY, LIMB-GIRDLE, AUTOSOMAL RECESSIVE 12. Identifiers: Orphanet 206549, MedGen C1969785, MONDO:0012652, OMIM 611307.
Gnathodiaphyseal dysplasia (GDD). Also called: OSTEOGENESIS IMPERFECTA WITH UNUSUAL SKELETAL LESIONS; GNATHODIAPHYSEAL SCLEROSIS. Identifiers: Orphanet 53697, MedGen C1833736, MONDO:0008151, OMIM 166260.
ANO5-related disorder. Also called: ANO5-related disorders; ANO5-related condition. Identifiers: MedGen CN239193.

Allele frequency attached by ClinVar (database versions not stated): gnomAD exomes below 0.00001; TOPMed below 0.00001; gnomAD 0.00001; 1000 Genomes Project 30x 0.00016; 1000 Genomes Project 0.00020.
gnomAD v4.1: 5 of 1,613,380 alleles (0.00031%); highest among the groups gnomAD compares: Middle Eastern, 0.017%; no homozygotes.

Submissions (3):

Labcorp Genetics (formerly Invitae), Labcorp
Classification: Uncertain significance for Autosomal recessive limb-girdle muscular dystrophy type 2L; Gnathodiaphyseal dysplasia. Last evaluated: 2023-02-18. Review status: criteria provided, single submitter. Criteria: Invitae Variant Classification Sherloc (09022015). Collection method: clinical testing. Allele origin: germline.
Comment: This missense change has been observed in individual(s) with clinical features of autosomal recessive limb-girdle muscular dystrophy (PMID: 31517061). In summary, the available evidence is currently insufficient to determine the role of this variant in disease. Therefore, it has been classified as a Variant of Uncertain Significance. Advanced modeling of protein sequence and biophysical properties (such as structural, functional, and spatial information, amino acid conservation, physicochemical variation, residue mobility, and thermodynamic stability) performed at Invitae indicates that this missense variant is expected to disrupt ANO5 protein function. ClinVar contains an entry for this variant (Variation ID: 1334350). This variant is also known as c.629C>T, p.Ser210Leu. This variant is not present in population databases (gnomAD no frequency). This sequence change replaces serine, which is neutral and polar, with leucine, which is neutral and non-polar, at codon 211 of the ANO5 protein (p.Ser211Leu).

GeneDx
Classification: Uncertain significance. Last evaluated: 2022-01-12. Review status: criteria provided, single submitter. Criteria: GeneDx Variant Classification Process June 2021. Collection method: clinical testing. Allele origin: germline. Affected: yes.
Comment: Reported previously in an individual with mild myopathic stages on muscle biopsy who harbored a second ANO5 variant, however segregation information was not provided (Rubegni et al., 2019); Not observed in large population cohorts (gnomAD); In silico analysis supports that this missense variant has a deleterious effect on protein structure/function; This variant is associated with the following publications: (PMID: 31517061)

PreventionGenetics, part of Exact Sciences
Classification: Uncertain significance for ANO5-related condition. Last evaluated: 2023-10-30. Review status: no assertion criteria provided. Collection method: clinical testing. Allele origin: germline. Not counted in ClinVar's aggregate classification.
Comment: The ANO5 c.632C>T variant is predicted to result in the amino acid substitution p.Ser211Leu. This variant was reported in a compound heterozygous individual with mild myopathic signs, but was otherwise considered to be asymptomatic (Table 1, ID: P30, Rubegni et al 2019. PubMed ID: 31517061). This variant has not been reported in a large population database, indicating this variant is rare. At this time, the clinical significance of this variant is uncertain due to the absence of conclusive functional and genetic evidence.

Literature cited by the submitters: PubMed 31517061 (cited by Labcorp Genetics (formerly Invitae), Labcorp).

NM_213599.3(ANO5):c.632C>T (p.Ser211Leu)

Gene: ANO5 (anoctamin 5; plus strand). Cytogenetic location: 11p14.3.
Variant type: single nucleotide variant.
Coding change: c.632C>T on transcript NM_213599.3 (MANE Select); coding-DNA position 632, C replaced by T.
Protein change: p.Ser211Leu; replaces serine 211 with leucine.
Molecular consequence: missense variant.
Genome position (GRCh38, 1-based): chr11:22,227,570, C>T. VCF-style: chr11-22227570-C-T. GRCh37 (hg19) VCF-style: chr11-22249116-C-T.
Other names: c.629C>T, p.Ser210Leu (NM_001142649.2); short protein forms S210L, S211L.
Identifiers: ClinVar variation 1334350 (VCV001334350.7), dbSNP rs142939381, ClinGen allele CA218735506.
Genomic context (GRCh38, chr11:22,227,570, plus strand): 5'-TCAGCAGACATCGGCAGGAGCTCTTCCTCATCGAAGATCAGGCAACCTTCTTTCCATCCT[C>T]ATCAAGAAACAGAATTGTAGGTAGAGAAGACCTTTGGGCACATCCCTTCAAATACGAGAT-3'
Protein context (NP_998764.1, residues 201-221): IEDQATFFPS[Ser211Leu]SRNRIVYYIL